The following is an entry in ClinVar:

ClinVar aggregate classification (germline): Pathogenic (1 of 4 stars; one submission).

Conditions:
Structural heart defects and renal anomalies syndrome (SHDRA). Identifiers: Orphanet 689822, MedGen C4479549, MONDO:0044321, OMIM 617478.

Submission:

Women's Health and Genetics/Laboratory Corporation of America, LabCorp
Classification: Pathogenic for Structural heart defects and renal anomalies syndrome. Last evaluated: 2025-03-18. Review status: criteria provided, single submitter. Criteria: LabCorp Variant Classification Summary - May 2015. Collection method: clinical testing. Allele origin: germline.
Comment: Variant summary: The variant involves the deletion of exon 12 in the TMEM260 gene. A presumed nomenclature of c.(1398+1_1399-1)_(1547+1_1548-1)del has been designated for the purposes of this classification. This Copy Number Variant (CNV) is expected to alter the reading frame and predicted to result in a truncation or absence of the encoded protein due to nonsense mediated decay (NMD). The variant was absent in 21694 control chromosomes (gnomAD, structural variants dataset). To our knowledge, no occurrence of c.(1398+1_1399-1)_(1547+1_1548-1)del in individuals affected with Structural Heart Defects And Renal Anomalies Syndrome and no experimental evidence demonstrating its impact on protein function have been reported. No submitters have cited clinical-significance assessments for this variant to ClinVar. Based on the evidence outlined above, the variant was classified as pathogenic.

NC_000014.8:g.(57088421_57092099)_(57092249_57099712)del

Gene: TMEM260 (transmembrane protein 260; plus strand). Cytogenetic location: 14q22.3.
Variant type: Deletion.
Identifiers: ClinVar variation 3895544 (VCV003895544.1).